The following is an entry in ClinVar:

NM_001166108.2(PALLD):c.*174A>T

Genes: CBR4 (carbonyl reductase 4; minus strand), PALLD (palladin, cytoskeletal associated protein; plus strand). Cytogenetic location: 4q32.3.
Variant type: single nucleotide variant.
Coding change: c.*174A>T on transcript NM_001166108.2 (MANE Select); 174 bases downstream of the stop codon, A replaced by T.
Molecular consequence: 3 prime UTR variant. On other transcripts: missense variant (4).
Genome position (GRCh38, 1-based): chr4:168,926,354, A>T. VCF-style: chr4-168926354-A-T. GRCh37 (hg19) VCF-style: chr4-169847505-A-T.
Other names: c.*174A>T (NM_001367567.1, NM_001367570.1, NM_016081.4); c.1379A>T, p.Asn460Ile (NM_001367568.1); c.1328A>T, p.Asn443Ile (NM_001367569.1); c.2303A>T, p.Asn768Ile (NM_001166109.2); c.1988A>T, p.Asn663Ile (NM_001166110.2); short protein forms N443I, N663I, N460I, N768I.
Identifiers: ClinVar variation 5026238 (VCV005026238.1).

ClinVar aggregate classification (germline): Uncertain significance (1 of 4 stars; one submission).

Submission:

Ambry Genetics
Classification: Uncertain significance. Last evaluated: 2026-08-10. Review status: criteria provided, single submitter. Criteria: Ambry Variant Classification Scheme 2023. Collection method: clinical testing. Allele origin: germline.
Comment: The p.N663I variant (also known as c.1988A>T), located in coding exon 11 of the PALLD gene, results from an A to T substitution at nucleotide position 1988. The asparagine at codon 663 is replaced by isoleucine, an amino acid with dissimilar properties. This amino acid position is conserved. In addition, this alteration is predicted to be tolerated by in silico analysis. Based on the available evidence, the clinical significance of this variant remains unclear.